The following is an entry in ClinVar:

ClinVar aggregate classification (germline): Pathogenic (1 of 4 stars; one submission).

Conditions:
Hereditary spastic paraplegia 4. Also called: Spastic paraplegia 4, autosomal dominant; Spastic Paraplegia 4; Familial spastic paraplegia autosomal dominant 2. Identifiers: Orphanet 100985, MedGen C1866855, MONDO:0008438, OMIM 182601.

Submission:

Labcorp Genetics (formerly Invitae), Labcorp
Classification: Pathogenic for Hereditary spastic paraplegia 4. Last evaluated: 2025-01-02. Review status: criteria provided, single submitter. Criteria: Invitae Variant Classification Sherloc (09022015). Collection method: clinical testing. Allele origin: germline.
Comment: This sequence change creates a premature translational stop signal (p.Pro267Leufs*12) in the SPAST gene. It is expected to result in an absent or disrupted protein product. Loss-of-function variants in SPAST are known to be pathogenic (PMID: 20932283). This variant is not present in population databases (gnomAD no frequency). This variant has not been reported in the literature in individuals affected with SPAST-related conditions. Algorithms developed to predict the effect of sequence changes on RNA splicing suggest that this variant may disrupt the consensus splice site. For these reasons, this variant has been classified as Pathogenic.

Literature cited by the submitters: PubMed 20932283.

NM_014946.4(SPAST):c.800del (p.Pro267fs)

Gene: SPAST (spastin; plus strand). Cytogenetic location: 2p22.3.
Variant type: Deletion.
Coding change: c.800del on transcript NM_014946.4 (MANE Select); coding-DNA position 800, one base deleted (C; older notation c.800delC).
Protein change: p.Pro267fs; shifts the reading frame from proline 267.
Molecular consequence: frameshift variant.
Genome position (GRCh38, 1-based): chr2:32,114,755, C deleted; the last of 2 consecutive C bases (chr2:32,114,754-32,114,755); deleting either gives the same sequence. VCF-style (leftmost placement, unchanged base first): chr2-32114753-AC-A. GRCh37 (hg19) VCF-style: chr2-32339822-AC-A.
Other names: c.797del, p.Pro266fs (NM_001363823.2); c.701del, p.Pro234fs (NM_001363875.2); c.704del, p.Pro235fs (NM_001377959.1, NM_199436.2); short protein forms P266fs, P267fs, P235fs, P234fs.
Identifiers: ClinVar variation 3728467 (VCV003728467.2).